The following is an entry in ClinVar:

NM_025216.3(WNT10A):c.534A>G (p.Gln178=)

Gene: WNT10A (Wnt family member 10A; plus strand). Cytogenetic location: 2q35.
Variant type: single nucleotide variant.
Coding change: c.534A>G on transcript NM_025216.3 (MANE Select); coding-DNA position 534, A replaced by G.
Protein change: p.Gln178=; no amino-acid change (glutamine 178 retained).
Molecular consequence: synonymous variant.
Genome position (GRCh38, 1-based): chr2:218,890,141, A>G. VCF-style: chr2-218890141-A-G. GRCh37 (hg19) VCF-style: chr2-219754863-A-G.
Identifiers: ClinVar variation 705211 (VCV000705211.18), dbSNP rs746227205, ClinGen allele CA2113964.

ClinVar aggregate classification (germline): Benign/Likely benign. Review status: criteria provided, multiple submitters, no conflicts (2 of 4 stars). 5 submissions from 3 submitters: Benign (1); Likely benign (3). 1 of the submissions does not count toward it. Last evaluated 2024-06-13.

Conditions:
Odonto-onycho-dermal dysplasia. Identifiers: Orphanet 2721, MedGen C0796093, MONDO:0009773, OMIM 257980.
Tooth agenesis, selective, 4 (STHAG4). Also called: TOOTH AGENESIS, SELECTIVE, 4, WITH OR WITHOUT ECTODERMAL DYSPLASIA; SUCCEDANEOUS TEETH, AGENESIS OF; LATERAL INCISORS, ABSENCE OF; LATERAL INCISORS, PEGGED OR MISSING. Identifiers: Orphanet 99798, MedGen C1835492, MONDO:0007881, OMIM 150400. Disease mechanism: loss of function.
Schöpf-Schulz-Passarge syndrome. Also called: SchC6pf-Schulz-Passarge syndrome; ECCRINE TUMORS WITH ECTODERMAL DYSPLASIA; KERATOSIS PALMOPLANTARIS WITH CYSTIC EYELIDS, HYPODONTIA, AND HYPOTRICHOSIS. Identifiers: Orphanet 50944, MedGen C1857069, MONDO:0009145, OMIM 224750.

Allele frequency attached by ClinVar (database versions not stated): gnomAD exomes 0.00009 and 0.00044; gnomAD 0.00017 and 0.00018; TOPMed 0.00029; ExAC 0.00034.
gnomAD v4.1: 152 of 1,614,012 alleles (0.0094%); highest among the groups gnomAD compares: Admixed American, 0.25%; no homozygotes.

Submissions (5):

Labcorp Genetics (formerly Invitae), Labcorp
Classification: Benign for Tooth agenesis, selective, 4; Odonto-onycho-dermal dysplasia. Last evaluated: 2024-06-13. Review status: criteria provided, single submitter. Criteria: Invitae Variant Classification Sherloc (09022015). Collection method: clinical testing. Allele origin: germline.

Illumina Laboratory Services, Illumina
Classification: Likely benign for Odonto-onycho-dermal dysplasia. Last evaluated: 2018-01-13. Review status: criteria provided, single submitter. Criteria: ICSL Variant Classification Criteria 13 December 2019. Collection method: clinical testing. Allele origin: germline.
Comment: This variant was observed in the ICSL laboratory as part of a predisposition screen in an ostensibly healthy population. It had not been previously curated by ICSL or reported in the Human Gene Mutation Database (HGMD: prior to June 1st, 2018), and was therefore a candidate for classification through an automated scoring system. Utilizing variant allele frequency, disease prevalence and penetrance estimates, and inheritance mode, an automated score was calculated to assess if this variant is too frequent to cause the disease. Based on the score and internal cut-off values, a variant classified as likely benign is not then subjected to further curation. The score for this variant resulted in a classification of likely benign for this disease.

Illumina Laboratory Services, Illumina
Classification: Likely benign for Schöpf-Schulz-Passarge syndrome. Last evaluated: 2018-01-13. Review status: criteria provided, single submitter. Criteria: ICSL Variant Classification Criteria 13 December 2019. Collection method: clinical testing. Allele origin: germline.
Comment: the same text as in the submission from Illumina Laboratory Services, Illumina above.

Illumina Laboratory Services, Illumina
Classification: Likely benign for Tooth agenesis, selective, 4. Last evaluated: 2018-01-13. Review status: criteria provided, single submitter. Criteria: ICSL Variant Classification Criteria 13 December 2019. Collection method: clinical testing. Allele origin: germline.
Comment: the same text as in the submission from Illumina Laboratory Services, Illumina above.

Natera, Inc.
Classification: Likely benign for Schopf-Schulz-Passarge syndrome. Last evaluated: 2020-01-15. Review status: no assertion criteria provided. Collection method: clinical testing. Allele origin: germline. Not counted in ClinVar's aggregate classification.